The following is an entry in ClinVar:

NM_006005.3(WFS1):c.1122C>G (p.Phe374Leu)

Gene: WFS1 (wolframin ER transmembrane glycoprotein; plus strand). Cytogenetic location: 4p16.1.
Variant type: single nucleotide variant.
Coding change: c.1122C>G on transcript NM_006005.3 (MANE Select); coding-DNA position 1122, C replaced by G.
Protein change: p.Phe374Leu; replaces phenylalanine 374 with leucine.
Molecular consequence: missense variant.
Genome position (GRCh38, 1-based): chr4:6,300,917, C>G. VCF-style: chr4-6300917-C-G. GRCh37 (hg19) VCF-style: chr4-6302644-C-G.
Other names: c.1122C>G, p.Phe374Leu (NM_001145853.1); short protein forms F374L.
Identifiers: ClinVar variation 452350 (VCV000452350.3), dbSNP rs1235126935, ClinGen allele CA356174304.

ClinVar aggregate classification (germline): Uncertain significance/Uncertain risk allele. Review status: criteria provided, multiple submitters, no conflicts (2 of 4 stars). 2 submissions from 2 submitters: Uncertain significance (1); Uncertain risk allele (1). Last evaluated 2017-09-27.

Conditions:
Wolfram syndrome 1 (WFS1). Identifiers: Orphanet 3463, MedGen C4551693, MONDO:0009101, OMIM 222300.

Allele frequency attached by ClinVar (database versions not stated): gnomAD 0.00001; TOPMed 0.00001.
gnomAD v4.1: 6 of 1,614,074 alleles (0.00037%); highest among the groups gnomAD compares: Admixed American, 0.0017%; no homozygotes.

Submissions (2):

GeneDx
Classification: Uncertain significance. Last evaluated: 2017-09-27. Review status: criteria provided, single submitter. Criteria: GeneDx Variant Classification (06012015). Collection method: clinical testing. Allele origin: germline. Affected: yes.
Comment: The F374L variant in the WFS1 gene has not been reported previously as a pathogenic variant, nor as a benign variant, to our knowledge. The F374L variant is not observed in large population cohorts (Lek et al., 2016). The F374L variant is a conservative amino acid substitution, which is not likely to impact secondary protein structure as these residues share similar properties. This substitution occurs at a position that is conserved across species. In silico analysis predicts this variant is probably damaging to the protein structure/function.We interpret F374L as a variant of uncertain significance.

Clinical Genomics, Uppaluri K&H Personalized Medicine Clinic
Classification: Uncertain risk allele for Wolfram syndrome 1. Review status: criteria provided, single submitter. Criteria: K & H Uppaluri Personalized Medicine Clinic Variant Classification & Assertion Criteria_Updated V.1. Collection method: research. Allele origin: unknown. Inheritance: Autosomal recessive inheritance.
Comment: Potent mutations in WFS1 gene are associated with Wolfram's syndrome, an autosomal recessive condition, which cause diabetes mellitus, diabetes insipidus, deafness and optic atrophy.However no sufficient evidence is found to ascertain the role of this particular variant rs1235126935 in Wolfram's syndrome yet.

Literature cited by the submitters: PubMed 20738327 (cited by Clinical Genomics, Uppaluri K&H Personalized Medicine Clinic); PubMed 33879153 (cited by Clinical Genomics, Uppaluri K&H Personalized Medicine Clinic); PubMed 12955714 (cited by Clinical Genomics, Uppaluri K&H Personalized Medicine Clinic); PubMed 18060660 (cited by Clinical Genomics, Uppaluri K&H Personalized Medicine Clinic); PubMed 20301750 (cited by Clinical Genomics, Uppaluri K&H Personalized Medicine Clinic); PubMed 17603484 (cited by Clinical Genomics, Uppaluri K&H Personalized Medicine Clinic).